The following is an entry in ClinVar:

ClinVar aggregate classification (germline): Uncertain significance (1 of 4 stars; one submission).

Conditions:
Cardiovascular phenotype. Identifiers: MedGen CN230736.

gnomAD v4.1: 13 of 1,614,132 alleles (0.00081%); highest among the groups gnomAD compares: Non-Finnish European, 0.0011%; no homozygotes.

Submission:

Ambry Genetics
Classification: Uncertain significance for Cardiovascular phenotype. Last evaluated: 2024-08-11. Review status: criteria provided, single submitter. Criteria: Ambry Variant Classification Scheme 2023. Collection method: clinical testing. Allele origin: germline.
Comment: The p.P839S variant (also known as c.2515C>T), located in coding exon 17 of the APOB gene, results from a C to T substitution at nucleotide position 2515. The proline at codon 839 is replaced by serine, an amino acid with similar properties. This amino acid position is conserved. In addition, this alteration is predicted to be deleterious by in silico analysis. Based on the available evidence, the clinical significance of this variant remains unclear.

NM_000384.3(APOB):c.2515C>T (p.Pro839Ser)

Gene: APOB (apolipoprotein B; minus strand). Cytogenetic location: 2p24.1.
Variant type: single nucleotide variant.
Coding change: c.2515C>T on transcript NM_000384.3 (MANE Select); coding-DNA position 2515, C replaced by T.
Protein change: p.Pro839Ser; replaces proline 839 with serine.
Molecular consequence: missense variant.
Genome position (GRCh38, 1-based): chr2:21,023,614, G>A on the plus strand (C>T on the coding strand, the complement: APOB is on the minus strand). VCF-style: chr2-21023614-G-A. GRCh37 (hg19) VCF-style: chr2-21246486-G-A.
Other names: short protein forms P839S.
Identifiers: ClinVar variation 3415741 (VCV003415741.1).